The following is an entry in ClinVar:

ClinVar aggregate classification (germline): Uncertain significance (1 of 4 stars; one submission).

Allele frequency attached by ClinVar (database versions not stated): gnomAD exomes below 0.00001; ExAC 0.00001; gnomAD 0.00001; TOPMed 0.00002.

Submission:

Labcorp Genetics (formerly Invitae), Labcorp
Classification: Uncertain significance. Last evaluated: 2023-09-22. Review status: criteria provided, single submitter. Criteria: Invitae Variant Classification Sherloc (09022015). Collection method: clinical testing. Allele origin: germline.
Comment: In summary, the available evidence is currently insufficient to determine the role of this variant in disease. Therefore, it has been classified as a Variant of Uncertain Significance. Advanced modeling of protein sequence and biophysical properties (such as structural, functional, and spatial information, amino acid conservation, physicochemical variation, residue mobility, and thermodynamic stability) has been performed at Invitae for this missense variant, however the output from this modeling did not meet the statistical confidence thresholds required to predict the impact of this variant on SERPING1 protein function. This variant has not been reported in the literature in individuals affected with SERPING1-related conditions. This variant is present in population databases (rs748055144, gnomAD 0.007%). This sequence change replaces proline, which is neutral and non-polar, with serine, which is neutral and polar, at codon 282 of the SERPING1 protein (p.Pro282Ser).

NM_000062.3(SERPING1):c.844C>T (p.Pro282Ser)

Gene: SERPING1 (serpin family G member 1; plus strand). Cytogenetic location: 11q12.1.
Variant type: single nucleotide variant.
Coding change: c.844C>T on transcript NM_000062.3 (MANE Select); coding-DNA position 844, C replaced by T.
Protein change: p.Pro282Ser; replaces proline 282 with serine.
Molecular consequence: missense variant.
Genome position (GRCh38, 1-based): chr11:57,606,168, C>T. VCF-style: chr11-57606168-C-T. GRCh37 (hg19) VCF-style: chr11-57373641-C-T.
Other names: c.844C>T, p.Pro282Ser (NM_001032295.2); short protein forms P282S.
Identifiers: ClinVar variation 2913308 (VCV002913308.3), dbSNP rs748055144, ClinGen allele CA6008127.
Genomic context (GRCh38, chr11:57,606,168, plus strand): 5'-ATCAACACCTGGGTGGCCAAGAACACCAACAACAAGATCAGCCGGCTGCTAGACAGTCTG[C>T]CCTCCGATACCCGCCTTGTCCTCCTCAATGCTATCTACCTGAGTGGTAAGGGTGCCCTTA-3'
Protein context (NP_000053.2, residues 272-292): NKISRLLDSL[Pro282Ser]SDTRLVLLNA